The following is an entry in ClinVar:

NM_000465.4(BARD1):c.2272G>T (p.Ala758Ser)

Gene: BARD1 (BRCA1 associated RING domain 1; minus strand). Cytogenetic location: 2q35.
Variant type: single nucleotide variant.
Coding change: c.2272G>T on transcript NM_000465.4 (MANE Select); coding-DNA position 2272, G replaced by T.
Protein change: p.Ala758Ser; replaces alanine 758 with serine.
Molecular consequence: missense variant. On other transcripts: non-coding transcript variant (3).
Genome position (GRCh38, 1-based): chr2:214,728,738, C>A on the plus strand (G>T on the coding strand, the complement: BARD1 is on the minus strand). VCF-style: chr2-214728738-C-A. GRCh37 (hg19) VCF-style: chr2-215593462-C-A.
Other names: c.2215G>T, p.Ala739Ser (NM_001282543.2); c.919G>T, p.Ala307Ser (NM_001282545.2); c.862G>T, p.Ala288Ser (NM_001282548.2); c.733G>T, p.Ala245Ser (NM_001282549.2); short protein forms A288S, A307S, A758S, A245S, A739S.
Identifiers: ClinVar variation 820927 (VCV000820927.16), dbSNP rs863224672, ClinGen allele CA350449947.
Genomic context (GRCh38, chr2:214,728,738, plus strand): 5'-AGCTGTCAAGAGGAAGCAACTCAAAGGACATCACACAGTCTATAAACCAGCTCGAAGGAG[C>A]CTTCCAGACTTTGCCCTGCCGAACCCTCTCTGGGTGATAATTACACAAATCTTCATAGAT-3'
Protein context (NP_000456.2, residues 748-768): ERVRQGKVWK[Ala758Ser]PSSWFIDCVM

ClinVar aggregate classification (germline): Uncertain significance. Review status: criteria provided, multiple submitters, no conflicts (2 of 4 stars). 2 submissions from 2 submitters: Uncertain significance (2). Last evaluated 2025-08-19.

Conditions:
Hereditary cancer-predisposing syndrome. Also called: Neoplastic Syndromes, Hereditary; Tumor predisposition; Hereditary Cancer Syndrome; Hereditary neoplastic syndrome. Identifiers: Orphanet 140162, MedGen C0027672, MeSH D009386, MONDO:0015356.
Familial cancer of breast. Also called: BREAST CANCER, FAMILIAL; Hereditary breast cancer; hereditary breast carcinoma. Identifiers: Orphanet 227535, MedGen C0346153, MONDO:0016419, OMIM 114480. Disease mechanism: loss of function.

Allele frequency attached by ClinVar (database versions not stated): gnomAD 0.00001.
gnomAD v4.1: 2 of 1,614,046 alleles (0.00012%); highest among the groups gnomAD compares: East Asian, 0.0045%; no homozygotes.

Submissions (2):

Ambry Genetics
Classification: Uncertain significance for Hereditary cancer-predisposing syndrome. Last evaluated: 2025-08-19. Review status: criteria provided, single submitter. Criteria: Ambry Variant Classification Scheme 2023. Collection method: clinical testing. Allele origin: germline.
Comment: The p.A758S variant (also known as c.2272G>T), located in coding exon 11 of the BARD1 gene, results from a G to T substitution at nucleotide position 2272. The alanine at codon 758 is replaced by serine, an amino acid with similar properties. This amino acid position is well conserved in available vertebrate species. In addition, the in silico prediction for this alteration is inconclusive. Since supporting evidence is limited at this time, the clinical significance of this alteration remains unclear.

Labcorp Genetics (formerly Invitae), Labcorp
Classification: Uncertain significance for Familial cancer of breast. Last evaluated: 2023-09-05. Review status: criteria provided, single submitter. Criteria: Invitae Variant Classification Sherloc (09022015). Collection method: clinical testing. Allele origin: germline.
Comment: This variant is not present in population databases (gnomAD no frequency). This variant has not been reported in the literature in individuals affected with BARD1-related conditions. ClinVar contains an entry for this variant (Variation ID: 820927). An algorithm developed to predict the effect of missense changes on protein structure and function (PolyPhen-2) suggests that this variant is likely to be disruptive. In summary, the available evidence is currently insufficient to determine the role of this variant in disease. Therefore, it has been classified as a Variant of Uncertain Significance. This sequence change replaces alanine, which is neutral and non-polar, with serine, which is neutral and polar, at codon 758 of the BARD1 protein (p.Ala758Ser).